The following is an entry in ClinVar:

NM_024537.4(CARS2):c.224+3G>A

Gene: CARS2 (cysteinyl-tRNA synthetase 2, mitochondrial; minus strand). Cytogenetic location: 13q34.
Variant type: single nucleotide variant.
Coding change: c.224+3G>A on transcript NM_024537.4 (MANE Select); 3 bases into the intron after coding-DNA position 224, G replaced by A.
Molecular consequence: intron variant.
Genome position (GRCh38, 1-based): chr13:110,705,867, C>T on the plus strand (G>A on the coding strand, the complement: CARS2 is on the minus strand). VCF-style: chr13-110705867-C-T. GRCh37 (hg19) VCF-style: chr13-111358214-C-T.
Other names: c.-775-296G>A (NM_001352252.2); c.224+3G>A (NM_001352253.3).
Identifiers: ClinVar variation 851725 (VCV000851725.6), dbSNP rs772740990, ClinGen allele CA7052385.

ClinVar aggregate classification (germline): Uncertain significance (1 of 4 stars; one submission).

Conditions:
Combined oxidative phosphorylation defect type 27. Also called: Combined oxidative phosphorylation deficiency 27. Identifiers: Orphanet 477774, MedGen C5567608, MONDO:0014728, OMIM 616672.

Allele frequency attached by ClinVar (database versions not stated): TOPMed below 0.00001; gnomAD exomes 0.00001 and 0.00002; ExAC 0.00008.
gnomAD v4.1: 9 of 1,554,650 alleles (0.00058%); highest among the groups gnomAD compares: Non-Finnish European, 0.00069%; no homozygotes.

Submission:

Labcorp Genetics (formerly Invitae), Labcorp
Classification: Uncertain significance for Combined oxidative phosphorylation defect type 27. Last evaluated: 2024-10-30. Review status: criteria provided, single submitter. Criteria: Invitae Variant Classification Sherloc (09022015). Collection method: clinical testing. Allele origin: germline.
Comment: This sequence change falls in intron 1 of the CARS2 gene. It does not directly change the encoded amino acid sequence of the CARS2 protein. It affects a nucleotide within the consensus splice site. The frequency data for this variant in the population databases is considered unreliable, as metrics indicate poor data quality at this position in the gnomAD database. This variant has not been reported in the literature in individuals affected with CARS2-related conditions. ClinVar contains an entry for this variant (Variation ID: 851725). Variants that disrupt the consensus splice site are a relatively common cause of aberrant splicing (PMID: 17576681, 9536098). Algorithms developed to predict the effect of sequence changes on RNA splicing suggest that this variant is not likely to affect RNA splicing. In summary, the available evidence is currently insufficient to determine the role of this variant in disease. Therefore, it has been classified as a Variant of Uncertain Significance.

Literature cited by the submitters: PubMed 17576681; PubMed 9536098.